The following is an entry in ClinVar:

NM_018960.6(GNMT):c.203C>T (p.Thr68Ile)

Genes: CNPY3-GNMT (CNPY3-GNMT readthrough; plus strand), GNMT (glycine N-methyltransferase; plus strand). Cytogenetic location: 6p21.1.
Variant type: single nucleotide variant.
Coding change: c.203C>T on transcript NM_018960.6 (MANE Select); coding-DNA position 203, C replaced by T.
Protein change: p.Thr68Ile; replaces threonine 68 with isoleucine.
Molecular consequence: missense variant. On other transcripts: non-coding transcript variant (1), intron variant (3).
Genome position (GRCh38, 1-based): chr6:42,960,970, C>T. VCF-style: chr6-42960970-C-T. GRCh37 (hg19) VCF-style: chr6-42928708-C-T.
Other names: c.203C>T, p.Thr68Ile (NM_001318865.2); c.9-1242C>T (NM_001318856.2); c.152-1792C>T (NM_001318857.2, NM_001318858.2); short protein forms T68I.
Identifiers: ClinVar variation 2765934 (VCV002765934.3), dbSNP rs762066957, ClinGen allele CA138216174.
Genomic context (GRCh38, chr6:42,960,970, plus strand): 5'-GGCTGCTTGGGCTGCTGCGCCAGCACGGCTGCCAGCGGGTGCTCGACGTAGCCTGTGGCA[C>T]TGGGTGAGCCCAGGCCGGGGCCGGGGGCGTTGCATGAGATCGGGGTCTGTCTCAGCCTGT-3'
Protein context (NP_061833.1, residues 58-78): CQRVLDVACG[Thr68Ile]GVDSIMLVEE

ClinVar aggregate classification (germline): Uncertain significance (1 of 4 stars; one submission).

Allele frequency attached by ClinVar (database versions not stated): gnomAD 0.00001; gnomAD exomes 0.00001; TOPMed 0.00001.
gnomAD v4.1: 23 of 1,553,428 alleles (0.0015%); highest among the groups gnomAD compares: Non-Finnish European, 0.0017%; no homozygotes.

Submission:

Labcorp Genetics (formerly Invitae), Labcorp
Classification: Uncertain significance. Last evaluated: 2023-10-16. Review status: criteria provided, single submitter. Criteria: Invitae Variant Classification Sherloc (09022015). Collection method: clinical testing. Allele origin: germline.
Comment: This sequence change replaces threonine, which is neutral and polar, with isoleucine, which is neutral and non-polar, at codon 68 of the GNMT protein (p.Thr68Ile). The frequency data for this variant in the population databases is considered unreliable, as metrics indicate poor data quality at this position in the gnomAD database. This variant has not been reported in the literature in individuals affected with GNMT-related conditions. Advanced modeling of protein sequence and biophysical properties (such as structural, functional, and spatial information, amino acid conservation, physicochemical variation, residue mobility, and thermodynamic stability) performed at Invitae indicates that this missense variant is expected to disrupt GNMT protein function. In summary, the available evidence is currently insufficient to determine the role of this variant in disease. Therefore, it has been classified as a Variant of Uncertain Significance.